The following is an entry in ClinVar:

ClinVar aggregate classification (germline): Likely benign. Review status: criteria provided, multiple submitters, no conflicts (2 of 4 stars). 3 submissions from 3 submitters: Likely benign (3). Last evaluated 2026-07-01.

Conditions:
Autosomal recessive limb-girdle muscular dystrophy type 2J (LGMDR10). Also called: Limb-girdle muscular dystrophy, type 2J; MUSCULAR DYSTROPHY, LIMB-GIRDLE, AUTOSOMAL RECESSIVE 10. Identifiers: Orphanet 140922, MedGen C1837342, MONDO:0012127, OMIM 608807.
Dilated cardiomyopathy 1G (CMD1G). Identifiers: Orphanet 154, MedGen C1858763, MONDO:0011400, OMIM 604145.

Allele frequency attached by ClinVar (database versions not stated): gnomAD 0.00002 and 0.00007; TOPMed 0.00003; gnomAD exomes 0.00009 and 0.00016; ExAC 0.00015.
gnomAD v4.1: 141 of 1,610,976 alleles (0.0088%); highest among the groups gnomAD compares: South Asian, 0.12%; 2 homozygotes.

Submissions (3):

CeGaT Center for Human Genetics Tuebingen
Classification: Likely benign. Last evaluated: 2026-07-01. Review status: criteria provided, single submitter. Criteria: CeGaT Center For Human Genetics Tuebingen Variant Classification Criteria Version 2. Collection method: clinical testing. Allele origin: germline. Affected: yes. Observed: 2 variant alleles.
Comment: TTN: BP4

Labcorp Genetics (formerly Invitae), Labcorp
Classification: Likely benign for Dilated cardiomyopathy 1G; Autosomal recessive limb-girdle muscular dystrophy type 2J. Last evaluated: 2025-10-09. Review status: criteria provided, single submitter. Criteria: Invitae Variant Classification Sherloc (09022015). Collection method: clinical testing. Allele origin: germline.

Laboratory for Molecular Medicine, Mass General Brigham Personalized Medicine
Classification: Likely benign. Last evaluated: 2014-03-21. Review status: criteria provided, single submitter. Criteria: LMM Criteria. Collection method: clinical testing. Allele origin: germline. Observed: 2 variant alleles.
Comment: Thr6083Met in exon 73 of TTN: This variant is not expected to have clinical sign ificance due to a lack of conservation across species, including mammals. Of not e, 6 mammals (squirrel monkey, bushbaby, alpaca, walrus, flying fox, and armadil lo) have a methionine (Met) at this position despite high nearby amino acid cons ervation. Thr6083Met in exon 73 of TTN (allele frequency = n/a)

NM_001267550.2(TTN):c.21980C>T (p.Thr7327Met)

Gene: TTN (titin; minus strand). Cytogenetic location: 2q31.2.
Variant type: single nucleotide variant.
Coding change: c.21980C>T on transcript NM_001267550.2 (MANE Select); coding-DNA position 21980, C replaced by T.
Protein change: p.Thr7327Met; replaces threonine 7327 with methionine.
Molecular consequence: missense variant. On other transcripts: intron variant (3).
Genome position (GRCh38, 1-based): chr2:178,722,919, G>A on the plus strand (C>T on the coding strand, the complement: TTN is on the minus strand). VCF-style: chr2-178722919-G-A. GRCh37 (hg19) VCF-style: chr2-179587646-G-A.
Other names: c.21029C>T, p.Thr7010Met (NM_001256850.1); c.13282+15163C>T (NM_003319.4); c.13858+15163C>T (NM_133437.4); c.13657+15163C>T (NM_133432.3); c.18248C>T, p.Thr6083Met (NM_133378.4); short protein forms T6083M, T7327M, T7010M.
Identifiers: ClinVar variation 179594 (VCV000179594.37), dbSNP rs727504975, ClinGen allele CA184738.